The following is an entry in ClinVar:

NM_000324.3(RHAG):c.808-10G>A

Gene: RHAG (Rh associated glycoprotein; minus strand). Cytogenetic location: 6p12.3.
Variant type: single nucleotide variant.
Coding change: c.808-10G>A on transcript NM_000324.3 (MANE Select); 10 bases into the intron before coding-DNA position 808, G replaced by A.
Molecular consequence: intron variant.
Genome position (GRCh38, 1-based): chr6:49,612,544, C>T on the plus strand (G>A on the coding strand, the complement: RHAG is on the minus strand). VCF-style: chr6-49612544-C-T. GRCh37 (hg19) VCF-style: chr6-49580257-C-T.
Identifiers: ClinVar variation 3035700 (VCV003035700.2), dbSNP rs377166659, ClinGen allele CA3847807.
Genomic context (GRCh38, chr6:49,612,544, plus strand): 5'-ACAAGTGCCCACAGCAACTCCTCCAGCAAGGGTGGCATTCTGAATGTGAACCTGTGTGAG[C>T]GGCAGAAACATAAATGAGGTGAGCTGGATGATGGAGAATTCAGAAGGATCAGAGGATTCT-3'

ClinVar aggregate classification (germline): Likely benign (0 of 4 stars; one submission).

Conditions:
RHAG-related disorder. Also called: RHAG-related condition.

Allele frequency attached by ClinVar (database versions not stated): ExAC 0.00002; TOPMed 0.00002; gnomAD 0.00003; gnomAD exomes 0.00006; ESP Exome Variant Server 0.00008.
gnomAD v4.1: 88 of 1,613,806 alleles (0.0055%); highest among the groups gnomAD compares: Non-Finnish European, 0.0067%; no homozygotes.

Submission:

PreventionGenetics, part of Exact Sciences
Classification: Likely benign for RHAG-related condition. Last evaluated: 2019-08-12. Review status: no assertion criteria provided. Collection method: clinical testing. Allele origin: germline.
Comment: This variant is classified as likely benign based on ACMG/AMP sequence variant interpretation guidelines (Richards et al. 2015 PMID: 25741868, with internal and published modifications).